The following is an entry in ClinVar:

ClinVar aggregate classification (germline): Conflicting classifications of pathogenicity. Review status: criteria provided, conflicting classifications (1 of 4 stars). 2 submissions from 2 submitters: Uncertain significance (1); Likely benign (1). Last evaluated 2026-06-17.

Conditions:
Hereditary cancer-predisposing syndrome. Also called: Tumor predisposition; Hereditary neoplastic syndrome; Neoplastic Syndromes, Hereditary; Hereditary Cancer Syndrome. Identifiers: Orphanet 140162, MedGen C0027672, MeSH D009386, MONDO:0015356.
Renal cell carcinoma. Identifiers: Orphanet 217071, MedGen C0007134, MeSH D002292, MONDO:0005086, HP:0005584.

Submissions (2):

Ambry Genetics
Classification: Likely benign for Hereditary cancer-predisposing syndrome. Last evaluated: 2026-06-17. Review status: criteria provided, single submitter. Criteria: Ambry Variant Classification Scheme 2023. Collection method: clinical testing. Allele origin: germline.

Labcorp Genetics (formerly Invitae), Labcorp
Classification: Uncertain significance for Renal cell carcinoma. Last evaluated: 2019-12-16. Review status: criteria provided, single submitter. Criteria: Invitae Variant Classification Sherloc (09022015). Collection method: clinical testing. Allele origin: germline.
Comment: In summary, the available evidence is currently insufficient to determine the role of this variant in disease. Therefore, it has been classified as a Variant of Uncertain Significance. Algorithms developed to predict the effect of missense changes on protein structure and function (SIFT, PolyPhen-2, Align-GVGD) all suggest that this variant is likely to be tolerated, but these predictions have not been confirmed by published functional studies and their clinical significance is uncertain. This variant has not been reported in the literature in individuals with MET-related conditions. This variant is not present in population databases (ExAC no frequency). This sequence change replaces arginine with glycine at codon 331 of the MET protein (p.Arg331Gly). The arginine residue is weakly conserved and there is a moderate physicochemical difference between arginine and glycine.

NM_000245.4(MET):c.991A>G (p.Arg331Gly)

Gene: MET (MET proto-oncogene, receptor tyrosine kinase; plus strand). Cytogenetic location: 7q31.2.
Variant type: single nucleotide variant.
Coding change: c.991A>G on transcript NM_000245.4 (MANE Select); coding-DNA position 991, A replaced by G.
Protein change: p.Arg331Gly; replaces arginine 331 with glycine.
Molecular consequence: missense variant. On other transcripts: intron variant (1).
Genome position (GRCh38, 1-based): chr7:116,700,075, A>G. VCF-style: chr7-116700075-A-G. GRCh37 (hg19) VCF-style: chr7-116340129-A-G.
Other names: c.991A>G, p.Arg331Gly (NM_001127500.3, NM_001324401.3); c.-91+27498A>G (NM_001324402.2); short protein forms R331G.
Identifiers: ClinVar variation 848184 (VCV000848184.13), dbSNP rs1791512225, ClinGen allele CA368970301.
Genomic context (GRCh38, chr7:116,700,075, plus strand): 5'-AAGGAAGTGTTTAATATACTTCAGGCTGCGTATGTCAGCAAGCCTGGGGCCCAGCTTGCT[A>G]GACAAATAGGAGCCAGCCTGAATGATGACATTCTTTTCGGGGTGTTCGCACAAAGCAAGC-3'
Protein context (NP_000236.2, residues 321-341): YVSKPGAQLA[Arg331Gly]QIGASLNDDI